The following is an entry in ClinVar:

ClinVar aggregate classification (germline): Conflicting classifications of pathogenicity. Review status: criteria provided, conflicting classifications (1 of 4 stars). 4 submissions from 4 submitters: Likely pathogenic (2); Uncertain significance (2). Last evaluated 2024-06-11.

Conditions:
Bartter disease type 1. Also called: HYPOKALEMIC ALKALOSIS WITH HYPERCALCIURIA 1, ANTENATAL; Bartter Syndrome type 1; HYPERPROSTAGLANDIN E SYNDROME 1; Bartter syndrome, type 1, antenatal. Identifiers: Orphanet 112, Orphanet 620217, MedGen C1866495, MONDO:0100344, OMIM 601678, MONDO:0011127.

gnomAD v4.1: 3 of 1,613,938 alleles (0.00019%); highest among the groups gnomAD compares: Non-Finnish European, 0.00025%; no homozygotes.

Submissions (4):

Fulgent Genetics
Classification: Likely pathogenic for Bartter disease type 1. Last evaluated: 2024-06-11. Review status: criteria provided, single submitter. Criteria: ACMG Guidelines, 2015. Collection method: clinical testing. Allele origin: germline.

Women's Health and Genetics/Laboratory Corporation of America, LabCorp
Classification: Uncertain significance. Last evaluated: 2024-06-11. Review status: criteria provided, single submitter. Criteria: LabCorp Variant Classification Summary - May 2015. Collection method: clinical testing. Allele origin: germline.
Comment: Variant summary: SLC12A1 c.595C>G (p.Arg199Gly) results in a non-conservative amino acid change located in the Amino acid permease/ SLC12A domain (IPR004841) of the encoded protein sequence. Five of five in-silico tools predict a damaging effect of the variant on protein function. The variant was absent in 251138 control chromosomes. The available data on variant occurrences in the general population are insufficient to allow any conclusion about variant significance. c.595C>G has been reported in the literature in at least one individual affected with Bartter Syndrome, Type 1 (Vargas-Poussou_1998). These report(s) do not provide unequivocal conclusions about association of the variant with Bartter Syndrome, Type 1. To our knowledge, no experimental evidence demonstrating an impact on protein function has been reported. The following publication has been ascertained in the context of this evaluation (PMID: 9585600). ClinVar contains an entry for this variant (Variation ID: 1708129). Based on the evidence outlined above, the variant was classified as uncertain significance.

Labcorp Genetics (formerly Invitae), Labcorp
Classification: Uncertain significance. Last evaluated: 2022-01-17. Review status: criteria provided, single submitter. Criteria: Invitae Variant Classification Sherloc (09022015). Collection method: clinical testing. Allele origin: germline.
Comment: This missense change has been observed in individual(s) with Bartter syndrome (PMID: 9585600). This sequence change replaces arginine, which is basic and polar, with glycine, which is neutral and non-polar, at codon 199 of the SLC12A1 protein (p.Arg199Gly). This variant is not present in population databases (gnomAD no frequency). Algorithms developed to predict the effect of missense changes on protein structure and function (SIFT, PolyPhen-2, Align-GVGD) all suggest that this variant is likely to be disruptive. In summary, the available evidence is currently insufficient to determine the role of this variant in disease. Therefore, it has been classified as a Variant of Uncertain Significance.

Laboratory of Medical Genetics, National & Kapodistrian University of Athens
Classification: Likely pathogenic for Bartter disease type 1. Last evaluated: 2021-12-12. Review status: criteria provided, single submitter. Criteria: ACMG Guidelines, 2015. Collection method: clinical testing. Allele origin: germline. Affected: yes.
Comment: PM2, PM3, PP2, PP3, PP5

Literature cited by the submitters: PubMed 9585600 (cited by Women's Health and Genetics/Laboratory Corporation of America, LabCorp and Labcorp Genetics (formerly Invitae), Labcorp).

NM_000338.3(SLC12A1):c.595C>G (p.Arg199Gly)

Gene: SLC12A1 (solute carrier family 12 member 1; plus strand). Cytogenetic location: 15q21.1.
Variant type: single nucleotide variant.
Coding change: c.595C>G on transcript NM_000338.3 (MANE Select); coding-DNA position 595, C replaced by G.
Protein change: p.Arg199Gly; replaces arginine 199 with glycine.
Molecular consequence: missense variant.
Genome position (GRCh38, 1-based): chr15:48,220,963, C>G. VCF-style: chr15-48220963-C-G. GRCh37 (hg19) VCF-style: chr15-48513160-C-G.
Other names: c.595C>G, p.Arg199Gly (NM_001184832.2, NM_001384136.1); short protein forms R199G.
Identifiers: ClinVar variation 1708129 (VCV001708129.8), dbSNP rs780448089, ClinGen allele CA392304955.